The following is an entry in ClinVar:

NM_015374.3(SUN2):c.2104G>A (p.Glu702Lys)

Genes: GTPBP1 (GTP binding protein 1; plus strand), SUN2 (Sad1 and UNC84 domain containing 2; minus strand). Cytogenetic location: 22q13.1.
Variant type: single nucleotide variant.
Coding change: c.2104G>A on transcript NM_015374.3 (MANE Select); coding-DNA position 2104, G replaced by A.
Protein change: p.Glu702Lys; replaces glutamic acid 702 with lysine.
Molecular consequence: missense variant.
Genome position (GRCh38, 1-based): chr22:38,736,317, C>T on the plus strand (G>A on the coding strand, the complement: SUN2 is on the minus strand). VCF-style: chr22-38736317-C-T. GRCh37 (hg19) VCF-style: chr22-39132322-C-T.
Other names: c.2167G>A, p.Glu723Lys (NM_001199579.2, NM_001394428.1); c.2104G>A, p.Glu702Lys (NM_001199580.2, NM_001394432.1, NM_001394433.1 and 2 more transcripts); c.2197G>A, p.Glu733Lys (NM_001394427.1); c.2149G>A, p.Glu717Lys (NM_001394429.1, NM_001394430.1); c.2101G>A, p.Glu701Lys (NM_001394436.1, NM_001394437.1); c.2014G>A, p.Glu672Lys (NM_001394438.1); c.1966G>A, p.Glu656Lys (NM_001394439.1, NM_001394440.1, NM_001394441.1); c.1705G>A, p.Glu569Lys (NM_001394442.1); and 3 more; short protein forms E538K, E569K, E717K, E733K, E656K, E701K, E510K, E672K.
Identifiers: ClinVar variation 1957485 (VCV001957485.6), dbSNP rs781099795, ClinGen allele CA10235301.

ClinVar aggregate classification (germline): Uncertain significance. Review status: criteria provided, multiple submitters, no conflicts (2 of 4 stars). 2 submissions from 2 submitters: Uncertain significance (2). Last evaluated 2026-01-11.

Conditions:
Emery-Dreifuss muscular dystrophy (EDMD). Also called: Scapuloperoneal syndrome, X-linked (formerly); Humeroperoneal neuromuscular disease, (formerly). Identifiers: Orphanet 261, MedGen C0410189, MONDO:0016830.

Allele frequency attached by ClinVar (database versions not stated): gnomAD 0.00001; ExAC 0.00002.
gnomAD v4.1: 48 of 1,613,906 alleles (0.003%); highest among the groups gnomAD compares: Middle Eastern, 0.016%; no homozygotes.

Submissions (2):

Labcorp Genetics (formerly Invitae), Labcorp
Classification: Uncertain significance for Emery-Dreifuss muscular dystrophy. Last evaluated: 2026-01-11. Review status: criteria provided, single submitter. Criteria: Invitae Variant Classification Sherloc (09022015). Collection method: clinical testing. Allele origin: germline.
Comment: This sequence change replaces glutamic acid, which is acidic and polar, with lysine, which is basic and polar, at codon 702 of the SUN2 protein (p.Glu702Lys). This variant is present in population databases (rs781099795, gnomAD 0.005%). This variant has not been reported in the literature in individuals affected with SUN2-related conditions. ClinVar contains an entry for this variant (Variation ID: 1957485). An algorithm developed to predict the effect of missense changes on protein structure and function (PolyPhen-2) suggests that this variant is likely to be disruptive. In summary, the available evidence is currently insufficient to determine the role of this variant in disease. Therefore, it has been classified as a Variant of Uncertain Significance.

Ambry Genetics
Classification: Uncertain significance. Last evaluated: 2025-03-05. Review status: criteria provided, single submitter. Criteria: Ambry Variant Classification Scheme 2023. Collection method: clinical testing. Allele origin: germline.